The following is an entry in ClinVar:

ClinVar aggregate classification (germline): Uncertain significance. Review status: criteria provided, multiple submitters, no conflicts (2 of 4 stars). 2 submissions from 2 submitters: Uncertain significance (2). Last evaluated 2026-01-22.

Conditions:
Inborn genetic diseases. Identifiers: MedGen C0950123, MeSH D030342.

gnomAD v4.1: 5 of 1,614,038 alleles (0.00031%); highest among the groups gnomAD compares: Admixed American, 0.0067%; no homozygotes.

Submissions (2):

Dasa
Classification: Uncertain significance. Last evaluated: 2026-01-22. Review status: criteria provided, single submitter. Criteria: DASA Assertion Criteria. Collection method: clinical testing. Allele origin: germline.
Comment: NM_001113378.2(FANCI):c.2855C>T (p.Thr952Ile) is a missense variant that results in the substitution of threonine with isoleucine. This variant is rare in population databases. The currently available literature and clinical evidence are not sufficient to establish a definitive association between this variant and the reported condition. Therefore, this variant is classified as a variant of uncertain significance.

Ambry Genetics
Classification: Uncertain significance for Inborn genetic diseases. Last evaluated: 2025-08-10. Review status: criteria provided, single submitter. Criteria: Ambry Variant Classification Scheme 2023. Collection method: clinical testing. Allele origin: germline.

NM_001113378.2(FANCI):c.2855C>T (p.Thr952Ile)

Gene: FANCI (FA complementation group I; plus strand). Cytogenetic location: 15q26.1.
Variant type: single nucleotide variant.
Coding change: c.2855C>T on transcript NM_001113378.2 (MANE Select); coding-DNA position 2855, C replaced by T.
Protein change: p.Thr952Ile; replaces threonine 952 with isoleucine.
Molecular consequence: missense variant.
Genome position (GRCh38, 1-based): chr15:89,300,351, C>T. VCF-style: chr15-89300351-C-T. GRCh37 (hg19) VCF-style: chr15-89843582-C-T.
Other names: c.2855C>T (NM_001113378.1); c.2576C>T, p.Thr859Ile (NM_001376910.1); c.2855C>T, p.Thr952Ile (NM_001376911.1); c.2675C>T, p.Thr892Ile (NM_018193.3); short protein forms T859I, T892I, T952I.
Identifiers: ClinVar variation 4254509 (VCV004254509.3).
Genomic context (GRCh38, chr15:89,300,351, plus strand): 5'-CATTCCTAGATGTCACAGATAAGGAAGGAGAAGAGAGAGAAGATGCAGATGTCAGTGTCA[C>T]TCAGAGAACAGCATTCCAGATCCGGCAATTTCAGGTGAGAAGCCTTGCAAAGCTGCTGTA-3'
Protein context (NP_001106849.1, residues 942-962): EEREDADVSV[Thr952Ile]QRTAFQIRQF